The following is an entry in ClinVar:

ClinVar aggregate classification (germline): Uncertain significance (1 of 4 stars; one submission).

Conditions:
Hyperalphalipoproteinemia 1 (HALP1). Also called: CETP-Related Hyperalphalipoproteinemia; CETP DEFICIENCY. Identifiers: MedGen C3149462, OMIM 143470.

Submission:

3billion
Classification: Uncertain significance for Hyperalphalipoproteinemia 1. Last evaluated: 2023-09-14. Review status: criteria provided, single submitter. Criteria: ACMG Guidelines, 2015. Collection method: clinical testing. Allele origin: germline. Affected: yes.
Comment: The variant is not observed in the gnomAD v2.1.1 dataset. Predicted Consequence/Location: Synonymous variant In silico tools predict the variant to alter splicing and produce an abnormal transcript [SpliceAI: 0.28 (>=0.2, moderate evidence for spliceogenicity)]. Therefore, this variant is classified as VUS according to the recommendation of ACMG/AMP guideline.

NM_000078.3(CETP):c.870G>A (p.Leu290=)

Gene: CETP (cholesteryl ester transfer protein; plus strand). Cytogenetic location: 16q13.
Variant type: single nucleotide variant.
Coding change: c.870G>A on transcript NM_000078.3 (MANE Select); coding-DNA position 870, G replaced by A.
Protein change: p.Leu290=; no amino-acid change (leucine 290 retained).
Molecular consequence: synonymous variant. On other transcripts: intron variant (1).
Genome position (GRCh38, 1-based): chr16:56,973,450, G>A. VCF-style: chr16-56973450-G-A. GRCh37 (hg19) VCF-style: chr16-57007362-G-A.
Other names: c.750+1367G>A (NM_001286085.2).
Identifiers: ClinVar variation 3775735 (VCV003775735.1).